The following is an entry in ClinVar:

NM_020693.4(DSCAML1):c.1495C>T (p.Arg499Ter)

Gene: DSCAML1 (DS cell adhesion molecule like 1; minus strand). Cytogenetic location: 11q23.3.
Variant type: single nucleotide variant.
Coding change: c.1495C>T on transcript NM_020693.4 (MANE Select); coding-DNA position 1495, C replaced by T.
Protein change: p.Arg499Ter; replaces arginine 499 with a stop codon.
Molecular consequence: nonsense.
Genome position (GRCh38, 1-based): chr11:117,518,481, G>A on the plus strand (C>T on the coding strand, the complement: DSCAML1 is on the minus strand). VCF-style: chr11-117518481-G-A. GRCh37 (hg19) VCF-style: chr11-117389196-G-A.
Other names: c.1495C>T, p.Arg499Ter (NM_001367904.1); c.1087C>T, p.Arg363Ter (NM_001367905.1); short protein forms R363*, R499*.
Identifiers: ClinVar variation 2030098 (VCV002030098.4), dbSNP rs1452964814, ClinGen allele CA382745362.

ClinVar aggregate classification (germline): Uncertain significance (1 of 4 stars; one submission).

Allele frequency attached by ClinVar (database versions not stated): gnomAD exomes below 0.00001.
gnomAD v4.1: 1 of 1,614,090 alleles (0.000062%); highest among the groups gnomAD compares: Non-Finnish European, 0.000085%; no homozygotes.

Submission:

Labcorp Genetics (formerly Invitae), Labcorp
Classification: Uncertain significance. Last evaluated: 2023-11-27. Review status: criteria provided, single submitter. Criteria: Invitae Variant Classification Sherloc (09022015). Collection method: clinical testing. Allele origin: germline.
Comment: This sequence change creates a premature translational stop signal (p.Arg559*) in the DSCAML1 gene. It is expected to result in an absent or disrupted protein product. However, the current clinical and genetic evidence is not sufficient to establish whether loss-of-function variants in DSCAML1 cause disease. This variant is not present in population databases (gnomAD no frequency). This variant has not been reported in the literature in individuals affected with DSCAML1-related conditions. ClinVar contains an entry for this variant (Variation ID: 2030098). In summary, the available evidence is currently insufficient to determine the role of this variant in disease. Therefore, it has been classified as a Variant of Uncertain Significance.